The following is an entry in ClinVar:

NM_207361.6(FREM2):c.8280C>T (p.Pro2760=)

Gene: FREM2 (FRAS1 related extracellular matrix 2; plus strand). Cytogenetic location: 13q13.3.
Variant type: single nucleotide variant.
Coding change: c.8280C>T on transcript NM_207361.6 (MANE Select); coding-DNA position 8280, C replaced by T.
Protein change: p.Pro2760=; no amino-acid change (proline 2760 retained).
Molecular consequence: synonymous variant.
Genome position (GRCh38, 1-based): chr13:38,874,585, C>T. VCF-style: chr13-38874585-C-T. GRCh37 (hg19) VCF-style: chr13-39448722-C-T.
Identifiers: ClinVar variation 3046884 (VCV003046884.3), dbSNP rs372374968, ClinGen allele CA6956093.
Genomic context (GRCh38, chr13:38,874,585, plus strand): 5'-CTTGGCCGTGCACTTCAAGACAGAGGCTCAGTTCCATGGCTTATTTGTGCTGTCACATCC[C>T]GGTAAGCCCCGTTATCTTTTAACAACCACTCCTCACACAAAAAGGAGGTAGATTTTCCAT-3'
Protein context (NP_997244.4, residues 2750-2770): QFHGLFVLSH[Pro2760=]ASFTSSVIMS

ClinVar aggregate classification (germline): Uncertain significance. Review status: criteria provided, single submitter (1 of 4 stars). 2 submissions from 2 submitters: Uncertain significance (1). 1 of the submissions does not count toward it. Last evaluated 2023-12-24.

Conditions:
Isolated cryptophthalmia. Also called: ANKYLOBLEPHARON, SIMPLE; Cryptophthalmos, unilateral or bilateral, isolated. Identifiers: Orphanet 91396, MedGen C1852453, MONDO:0007410, OMIM 123570.
Fraser syndrome 2 (FRASRS2). Identifiers: MedGen C4540036, MONDO:0054738, OMIM 617666.
FREM2-related disorder. Also called: FREM2-related condition.

Allele frequency attached by ClinVar (database versions not stated): ExAC 0.00002; gnomAD 0.00002; gnomAD exomes 0.00003; TOPMed 0.00004; ESP Exome Variant Server 0.00008.
gnomAD v4.1: 60 of 1,611,820 alleles (0.0037%); highest among the groups gnomAD compares: African/African-American, 0.0053%; no homozygotes.

Submissions (2):

Fulgent Genetics
Classification: Uncertain significance for Isolated cryptophthalmia; Fraser syndrome 2. Last evaluated: 2023-12-24. Review status: criteria provided, single submitter. Criteria: ACMG Guidelines, 2015. Collection method: clinical testing. Allele origin: germline.

PreventionGenetics, part of Exact Sciences
Classification: Likely benign for FREM2-related condition. Last evaluated: 2019-03-29. Review status: no assertion criteria provided. Collection method: clinical testing. Allele origin: germline. Not counted in ClinVar's aggregate classification.
Comment: This variant is classified as likely benign based on ACMG/AMP sequence variant interpretation guidelines (Richards et al. 2015 PMID: 25741868, with internal and published modifications).